The following is an entry in ClinVar:

ClinVar aggregate classification (germline): Uncertain significance. Review status: criteria provided, multiple submitters, no conflicts (2 of 4 stars). 2 submissions from 2 submitters: Uncertain significance (2). Last evaluated 2025-08-21.

Conditions:
Inborn genetic diseases. Identifiers: MedGen C0950123, MeSH D030342.

Submissions (2):

Ambry Genetics
Classification: Uncertain significance for Inborn genetic diseases. Last evaluated: 2025-08-21. Review status: criteria provided, single submitter. Criteria: Ambry Variant Classification Scheme 2023. Collection method: clinical testing. Allele origin: germline.

Labcorp Genetics (formerly Invitae), Labcorp
Classification: Uncertain significance. Last evaluated: 2024-11-21. Review status: criteria provided, single submitter. Criteria: Invitae Variant Classification Sherloc (09022015). Collection method: clinical testing. Allele origin: germline.
Comment: This sequence change replaces glycine, which is neutral and non-polar, with serine, which is neutral and polar, at codon 360 of the TUBB2A protein (p.Gly360Ser). This variant is not present in population databases (gnomAD no frequency). This variant has not been reported in the literature in individuals affected with TUBB2A-related conditions. Invitae Evidence Modeling of protein sequence and biophysical properties (such as structural, functional, and spatial information, amino acid conservation, physicochemical variation, residue mobility, and thermodynamic stability) indicates that this missense variant is not expected to disrupt TUBB2A protein function with a negative predictive value of 80%. In summary, the available evidence is currently insufficient to determine the role of this variant in disease. Therefore, it has been classified as a Variant of Uncertain Significance.

NM_001069.3(TUBB2A):c.1078G>A (p.Gly360Ser)

Gene: TUBB2A (tubulin beta 2A class IIa; minus strand). Cytogenetic location: 6p25.2.
Variant type: single nucleotide variant.
Coding change: c.1078G>A on transcript NM_001069.3 (MANE Select); coding-DNA position 1078, G replaced by A.
Protein change: p.Gly360Ser; replaces glycine 360 with serine.
Molecular consequence: missense variant.
Genome position (GRCh38, 1-based): chr6:3,154,123, C>T on the plus strand (G>A on the coding strand, the complement: TUBB2A is on the minus strand). VCF-style: chr6-3154123-C-T. GRCh37 (hg19) VCF-style: chr6-3154357-C-T.
Other names: c.823G>A, p.Gly275Ser (NM_001310315.2); c.1078G>A (NM_001069.2); short protein forms G275S, G360S.
Identifiers: ClinVar variation 3663294 (VCV003663294.3).